The following is an entry in ClinVar:

ClinVar aggregate classification (germline): Uncertain significance (1 of 4 stars; one submission).

Conditions:
Leukoencephalopathy, diffuse hereditary, with spheroids 1 (HDLS1). Also called: DEMENTIA, FAMILIAL, NEUMANN TYPE; SUBCORTICAL GLIOSIS OF NEUMANN; CSF1R-related adult-onset leukoencephalopathy with axonal spheroids and pigmented glia. Identifiers: Orphanet 313808, MedGen C5561929, MONDO:0800027, OMIM 221820.

Submission:

Neuberg Centre For Genomic Medicine, NCGM
Classification: Uncertain significance for Leukoencephalopathy, diffuse hereditary, with spheroids 1. Review status: criteria provided, single submitter. Criteria: ACMG Guidelines, 2015. Collection method: clinical testing. Allele origin: germline. Inheritance: Autosomal dominant inheritance. Affected: yes.
Comment: The c.1232T>C p.Ile411Thr missense variant in CSF1R gene has not been reported previously as a pathogenic variant nor as a benign variant, to our knowledge. The p.Ile411Thr variant absent in gnomAD and 1000 Genomes. This variant has not been reported to the ClinVar database. The amino acid change p.Ile411Thr in CSF1R is predicted as conserved by GERP++ and PhyloP across 100 vertebrates. The amino acid Ile at position 411 is changed to a Thr changing protein sequence and it might alter its composition and physico-chemical properties. For these reasons, this variant has been classified as Variant of Uncertain Significance VUS.

NM_001288705.3(CSF1R):c.1232T>C (p.Ile411Thr)

Gene: CSF1R (colony stimulating factor 1 receptor; minus strand). Cytogenetic location: 5q32.
Variant type: single nucleotide variant.
Coding change: c.1232T>C on transcript NM_001288705.3 (MANE Select); coding-DNA position 1232, T replaced by C.
Protein change: p.Ile411Thr; replaces isoleucine 411 with threonine.
Molecular consequence: missense variant. On other transcripts: non-coding transcript variant (2).
Genome position (GRCh38, 1-based): chr5:150,070,269, A>G on the plus strand (T>C on the coding strand, the complement: CSF1R is on the minus strand). VCF-style: chr5-150070269-A-G. GRCh37 (hg19) VCF-style: chr5-149449832-A-G.
Other names: c.1232T>C, p.Ile411Thr (NM_001349736.2, NM_001375320.1, NM_005211.4); c.788T>C, p.Ile263Thr (NM_001375321.1); short protein forms I263T, I411T.
Identifiers: ClinVar variation 3236418 (VCV003236418.2), dbSNP rs2481012821, ClinGen allele CA361721595.
Genomic context (GRCh38, chr5:150,070,269, plus strand): 5'-CATGTCACGTTGGGCTGGGGGTACCCAGAGGCAGCACACAAAAGGGTGCCAGAGCCGTTG[A>G]TGAATGTCCATATGACGCTTACCTCTGGGGGGTCTGAGGAAGAAAGGAGGAGGCCCCAAG-3'
Protein context (NP_001275634.1, residues 401-421): PPEVSVIWTF[Ile411Thr]NGSGTLLCAA